The following is an entry in ClinVar:

NM_031935.3(HMCN1):c.13882A>G (p.Asn4628Asp)

Gene: HMCN1 (hemicentin 1; plus strand). Cytogenetic location: 1q31.1.
Variant type: single nucleotide variant.
Coding change: c.13882A>G on transcript NM_031935.3 (MANE Select); coding-DNA position 13882, A replaced by G.
Protein change: p.Asn4628Asp; replaces asparagine 4628 with aspartic acid.
Molecular consequence: missense variant.
Genome position (GRCh38, 1-based): chr1:186,137,930, A>G. VCF-style: chr1-186137930-A-G. GRCh37 (hg19) VCF-style: chr1-186107062-A-G.
Other names: short protein forms N4628D.
Identifiers: ClinVar variation 1384623 (VCV001384623.6), dbSNP rs2102537023, ClinGen allele CA343912961.

ClinVar aggregate classification (germline): Uncertain significance (1 of 4 stars; one submission).

Submission:

Labcorp Genetics (formerly Invitae), Labcorp
Classification: Uncertain significance. Last evaluated: 2021-09-25. Review status: criteria provided, single submitter. Criteria: Invitae Variant Classification Sherloc (09022015). Collection method: clinical testing. Allele origin: germline.
Comment: In summary, the available evidence is currently insufficient to determine the role of this variant in disease. Therefore, it has been classified as a Variant of Uncertain Significance. Algorithms developed to predict the effect of missense changes on protein structure and function (SIFT, PolyPhen-2, Align-GVGD) all suggest that this variant is likely to be tolerated. This variant has not been reported in the literature in individuals affected with HMCN1-related conditions. This variant is not present in population databases (ExAC no frequency). This sequence change replaces asparagine with aspartic acid at codon 4628 of the HMCN1 protein (p.Asn4628Asp). The asparagine residue is weakly conserved and there is a small physicochemical difference between asparagine and aspartic acid.